The following is an entry in ClinVar:

ClinVar aggregate classification (germline): Uncertain significance (1 of 4 stars; one submission).

Submission:

GeneDx
Classification: Uncertain significance. Last evaluated: 2022-12-06. Review status: criteria provided, single submitter. Criteria: GeneDx Variant Classification Process June 2021. Collection method: clinical testing. Allele origin: germline. Affected: yes.
Comment: Not observed at significant frequency in large population cohorts (gnomAD); In silico analysis supports that this missense variant does not alter protein structure/function; Has not been previously published as pathogenic or benign to our knowledge

NM_022455.5(NSD1):c.3671C>G (p.Ala1224Gly)

Gene: NSD1 (nuclear receptor binding SET domain protein 1; plus strand). Cytogenetic location: 5q35.3.
Variant type: single nucleotide variant.
Coding change: c.3671C>G on transcript NM_022455.5 (MANE Select); coding-DNA position 3671, C replaced by G.
Protein change: p.Ala1224Gly; replaces alanine 1224 with glycine.
Molecular consequence: missense variant.
Genome position (GRCh38, 1-based): chr5:177,212,070, C>G. VCF-style: chr5-177212070-C-G. GRCh37 (hg19) VCF-style: chr5-176639071-C-G.
Other names: c.2798C>G, p.Ala933Gly (NM_001365684.2, NM_001409306.1, NM_001409307.1 and 3 more transcripts); c.3671C>G, p.Ala1224Gly (NM_001409301.1, NM_001409302.1, NM_001409303.1); c.3251C>G, p.Ala1084Gly (NM_001409304.1); c.2918C>G, p.Ala973Gly (NM_001409305.1); short protein forms A1084G, A1224G, A933G, A973G.
Identifiers: ClinVar variation 2504718 (VCV002504718.1), dbSNP rs2149849167, ClinGen allele CA362326941.